The following is an entry in ClinVar:

NM_006767.4(LZTR1):c.1517C>T (p.Pro506Leu)

Gene: LZTR1 (leucine zipper like post translational regulator 1; plus strand). Cytogenetic location: 22q11.21.
Variant type: single nucleotide variant.
Coding change: c.1517C>T on transcript NM_006767.4 (MANE Select); coding-DNA position 1517, C replaced by T.
Protein change: p.Pro506Leu; replaces proline 506 with leucine.
Molecular consequence: missense variant.
Genome position (GRCh38, 1-based): chr22:20,994,171, C>T. VCF-style: chr22-20994171-C-T. GRCh37 (hg19) VCF-style: chr22-21348460-C-T.
Other names: short protein forms P506L.
Identifiers: ClinVar variation 987833 (VCV000987833.13), dbSNP rs763950976, ClinGen allele CA10118926.

ClinVar aggregate classification (germline): Conflicting classifications of pathogenicity. Review status: criteria provided, conflicting classifications (1 of 4 stars). 6 submissions from 6 submitters: Uncertain significance (5); Likely benign (1). Last evaluated 2026-01-21.

Conditions:
Cardiovascular phenotype. Identifiers: MedGen CN230736.
Hereditary cancer-predisposing syndrome. Also called: Hereditary Cancer Syndrome; Tumor predisposition; Neoplastic Syndromes, Hereditary; Hereditary neoplastic syndrome. Identifiers: Orphanet 140162, MedGen C0027672, MeSH D009386, MONDO:0015356.
Primary familial hypertrophic cardiomyopathy (HCM). Identifiers: Orphanet 99739, MedGen C0949658, MeSH D024741, MONDO:0024573. Inheritance: Various modes of inheritance.
LZTR1-related schwannomatosis. Also called: Schwannomatosis-2, susceptibility to; Schwannomatosis 2. Identifiers: Orphanet 93921, MedGen C3810283, MONDO:0014299, OMIM 615670.

Allele frequency attached by ClinVar (database versions not stated): gnomAD exomes 0.00002 and 0.00004; ExAC 0.00005; TOPMed 0.00008; gnomAD 0.00015 and 0.00016.
gnomAD v4.1: 48 of 1,598,592 alleles (0.003%); highest among the groups gnomAD compares: Admixed American, 0.051%; no homozygotes.

Submissions (6):

Petrovsky National Research Centre of Surgery, The Federal Agency for Scientific Organizations
Classification: Uncertain significance for Primary familial hypertrophic cardiomyopathy. Last evaluated: 2026-01-21. Review status: criteria provided, single submitter. Criteria: ACMG Guidelines, 2015. Collection method: research. Allele origin: unknown. Inheritance: Autosomal dominant inheritance. Affected: yes.
Comment: Variant NM_006767.4:c.1517C>T (p. Pro506Leu) is in The Genome Aggregation Database (gnomAD) v4.1.0 with total MAF=0.00003003 (Date of access 01-12-2024). Clinvar (VCV000987833.10) contains 4 entries conflicting for this variant (3 entries as uncertain significance, 1 as likely benign). This variant has not been reported in any study to our knowledge. Computational evidence suggests no impact on gene or gene product: REVEL score=0,029<0.4 (BP4). In accordance with ACMG(2015) criteria this variant is classified as Variant of Uncertain Significance (VUS) with following criteria selected: PM2, BP4.

Labcorp Genetics (formerly Invitae), Labcorp
Classification: Uncertain significance. Last evaluated: 2026-01-19. Review status: criteria provided, single submitter. Criteria: Invitae Variant Classification Sherloc (09022015). Collection method: clinical testing. Allele origin: germline.
Comment: This sequence change replaces proline, which is neutral and non-polar, with leucine, which is neutral and non-polar, at codon 506 of the LZTR1 protein (p.Pro506Leu). This variant is present in population databases (rs763950976, gnomAD 0.02%). This variant has not been reported in the literature in individuals affected with LZTR1-related conditions. ClinVar contains an entry for this variant (Variation ID: 987833). Invitae Evidence Modeling of protein sequence and biophysical properties (such as structural, functional, and spatial information, amino acid conservation, physicochemical variation, residue mobility, and thermodynamic stability) indicates that this missense variant is not expected to disrupt LZTR1 protein function with a negative predictive value of 80%. In summary, the available evidence is currently insufficient to determine the role of this variant in disease. Therefore, it has been classified as a Variant of Uncertain Significance.

Ambry Genetics
Classification: Likely benign for Cardiovascular phenotype; Hereditary cancer-predisposing syndrome. Last evaluated: 2025-03-27. Review status: criteria provided, single submitter. Criteria: Ambry Variant Classification Scheme 2023. Collection method: clinical testing. Allele origin: germline.

Baylor Genetics
Classification: Uncertain significance for LZTR1-related schwannomatosis. Last evaluated: 2023-09-27. Review status: criteria provided, single submitter. Criteria: ACMG Guidelines, 2015. Collection method: clinical testing. Allele origin: unknown.

Women's Health and Genetics/Laboratory Corporation of America, LabCorp
Classification: Uncertain significance. Last evaluated: 2023-05-10. Review status: criteria provided, single submitter. Criteria: LabCorp Variant Classification Summary - May 2015. Collection method: clinical testing. Allele origin: germline.
Comment: Variant summary: LZTR1 c.1517C>T (p.Pro506Leu) results in a non-conservative amino acid change located in the BTB/POZ domain (IPR000210) of the encoded protein sequence. Four of five in-silico tools predict a benign effect of the variant on protein function. The variant allele was found at a frequency of 4.1e-05 in 220722 control chromosomes (gnomAD), predominantly at a frequency of 0.00015 within the Latino subpopulation in the gnomAD database. The available data on variant occurrences in the general population are insufficient to allow any conclusion about variant significance. To our knowledge, no occurrence of c.1517C>T in individuals affected with Noonan Syndrome and no experimental evidence demonstrating its impact on protein function have been reported. Two ClinVar submitters have assessed the variant since 2014: both classified the variant as uncertain significance. Based on the evidence outlined above, the variant was classified as uncertain significance.

Blueprint Genetics
Classification: Uncertain significance. Last evaluated: 2022-03-23. Review status: criteria provided, single submitter. Criteria: ACMG Guidelines, 2015. Collection method: clinical testing. Allele origin: germline.